The following is an entry in ClinVar:

ClinVar aggregate classification (germline): Uncertain significance (1 of 4 stars; one submission).

Submission:

Women's Health and Genetics/Laboratory Corporation of America, LabCorp
Classification: Uncertain significance. Last evaluated: 2026-06-10. Review status: criteria provided, single submitter. Criteria: LabCorp Variant Classification Summary - May 2015. Collection method: clinical testing. Allele origin: germline.
Comment: Variant summary: BCORL1 c.4305+2T>G is located in a canonical splice-site and is predicted to affect mRNA splicing resulting in a significantly altered protein due to either exon skipping, shortening, or inclusion of intronic material. Variants that disrupt the consensus splice site are a relatively common cause of aberrant splicing, however current evidence is not sufficient to establish loss of function as a mechanism for disease. Several computational tools predict a significant impact on normal splicing: Four predict the variant abolishes a 5' splicing donor site. However, these predictions have yet to be confirmed by functional studies. The variant was absent in 180239 control chromosomes (gnomAD). The available data on variant occurrences in the general population are insufficient to allow any conclusion about variant significance. To our knowledge, no occurrence of c.4305+2T>G in individuals affected with BCORL1-related conditions and no experimental evidence demonstrating its impact on protein function have been reported. No submitters have cited clinical-significance assessments for this variant to ClinVar. Based on the evidence outlined above, the variant was classified as uncertain significance.

NM_001379451.1(BCORL1):c.4305+2T>G

Gene: BCORL1 (BCL6 corepressor like 1; plus strand). Cytogenetic location: Xq26.1.
Variant type: single nucleotide variant.
Coding change: c.4305+2T>G on transcript NM_001379451.1 (MANE Select); the canonical splice donor site of the intron after coding-DNA position 4305, T replaced by G.
Molecular consequence: splice donor variant.
Genome position (GRCh38, 1-based): chrX:130,028,863, T>G. VCF-style: chrX-130028863-T-G. GRCh37 (hg19) VCF-style: chrX-129162838-T-G.
Other names: c.4305+2T>G (NM_001441327.1, NM_001184772.3, NM_001441326.1 and 3 more transcripts); c.3915+2T>G (NM_001441329.1, NM_001441331.1, NM_001441330.1 and 1 more transcripts).
Identifiers: ClinVar variation 4887364 (VCV004887364.1).